The following is an entry in ClinVar:

NM_152906.7(TANGO2):c.650T>A (p.Val217Glu)

Gene: TANGO2 (transport and golgi organization 2 homolog; plus strand). Cytogenetic location: 22q11.21.
Variant type: single nucleotide variant.
Coding change: c.650T>A on transcript NM_152906.7 (MANE Select); coding-DNA position 650, T replaced by A.
Protein change: p.Val217Glu; replaces valine 217 with glutamic acid.
Molecular consequence: missense variant. On other transcripts: synonymous variant (5), non-coding transcript variant (5), intron variant (1).
Genome position (GRCh38, 1-based): chr22:20,063,382, T>A. VCF-style: chr22-20063382-T-A. GRCh37 (hg19) VCF-style: chr22-20050905-T-A.
Other names: c.356T>A, p.Val119Glu (NM_001322153.2, NM_001322155.2, NM_001322171.2 and 6 more transcripts); c.546T>A, p.Arg182= (NM_001322160.2); c.464T>A, p.Val155Glu (NM_001322163.2, NM_001322166.2, NM_001322167.2 and 2 more transcripts); c.462T>A, p.Arg154= (NM_001322169.2); c.650T>A, p.Val217Glu (NM_001283106.3, NM_001283116.3, NM_001322142.2); c.773T>A, p.Val258Glu (NM_001283129.3, NM_001322141.2, NM_001322143.2); c.648T>A, p.Arg216= (NM_001283148.3, NM_001283154.3); c.425T>A, p.Val142Glu (NM_001283199.3); and 5 more; short protein forms V183E, V258E, C104S, V119E, V142E, V217E, V155E, V196E.
Identifiers: ClinVar variation 3649350 (VCV003649350.2).

ClinVar aggregate classification (germline): Uncertain significance (1 of 4 stars; one submission).

Submission:

Labcorp Genetics (formerly Invitae), Labcorp
Classification: Uncertain significance. Last evaluated: 2024-04-09. Review status: criteria provided, single submitter. Criteria: Invitae Variant Classification Sherloc (09022015). Collection method: clinical testing. Allele origin: germline.
Comment: This sequence change replaces valine, which is neutral and non-polar, with glutamic acid, which is acidic and polar, at codon 217 of the TANGO2 protein (p.Val217Glu). This variant is not present in population databases (gnomAD no frequency). This variant has not been reported in the literature in individuals affected with TANGO2-related conditions. An algorithm developed to predict the effect of missense changes on protein structure and function (PolyPhen-2) suggests that this variant is likely to be disruptive. In summary, the available evidence is currently insufficient to determine the role of this variant in disease. Therefore, it has been classified as a Variant of Uncertain Significance.